The following is an entry in ClinVar:

NM_001378183.1(PIEZO2):c.6400A>C (p.Ile2134Leu)

Gene: PIEZO2 (piezo type mechanosensitive ion channel component 2; minus strand). Cytogenetic location: 18p11.22.
Variant type: single nucleotide variant.
Coding change: c.6400A>C on transcript NM_001378183.1 (MANE Select); coding-DNA position 6400, A replaced by C.
Protein change: p.Ile2134Leu; replaces isoleucine 2134 with leucine.
Molecular consequence: missense variant.
Genome position (GRCh38, 1-based): chr18:10,702,030, T>G on the plus strand (A>C on the coding strand, the complement: PIEZO2 is on the minus strand). VCF-style: chr18-10702030-T-G. GRCh37 (hg19) VCF-style: chr18-10702028-T-G.
Other names: c.6061A>C, p.Ile2021Leu (NM_022068.4); short protein forms I2021L, I2134L.
Identifiers: ClinVar variation 1187300 (VCV001187300.3), dbSNP rs575579489, ClinGen allele CA8892244.

ClinVar aggregate classification (germline): Uncertain significance. Review status: criteria provided, multiple submitters, no conflicts (2 of 4 stars). 2 submissions from 2 submitters: Uncertain significance (2). Last evaluated 2025-06-17.

Conditions:
Inborn genetic diseases. Identifiers: MedGen C0950123, MeSH D030342.

Allele frequency attached by ClinVar (database versions not stated): gnomAD exomes 0.00004; ExAC 0.00006.
gnomAD v4.1: 133 of 1,534,644 alleles (0.0087%); highest among the groups gnomAD compares: Non-Finnish European, 0.011%; no homozygotes.

Submissions (2):

Ambry Genetics
Classification: Uncertain significance for Inborn genetic diseases. Last evaluated: 2025-06-17. Review status: criteria provided, single submitter. Criteria: Ambry Variant Classification Scheme 2023. Collection method: clinical testing. Allele origin: germline.

GeneDx
Classification: Uncertain significance. Last evaluated: 2020-09-10. Review status: criteria provided, single submitter. Criteria: GeneDx Variant Classification Process June 2021. Collection method: clinical testing. Allele origin: germline. Affected: yes.
Comment: In silico analysis supports that this missense variant does not alter protein structure/function; Has not been previously published as pathogenic or benign to our knowledge